The following is an entry in ClinVar:

ClinVar aggregate classification (germline): Uncertain significance (1 of 4 stars; one submission).

Conditions:
Norman-Roberts syndrome (LIS2). Also called: Lissencephaly 2 (Norman-Roberts type). Identifiers: Orphanet 89844, MedGen C0796089, MONDO:0009760, OMIM 257320.
Familial temporal lobe epilepsy 7. Identifiers: Orphanet 101046, MedGen C4225327, MONDO:0014639, OMIM 616436.

Allele frequency attached by ClinVar (database versions not stated): TOPMed 0.00002.
gnomAD v4.1: 26 of 1,613,140 alleles (0.0016%); highest among the groups gnomAD compares: Non-Finnish European, 0.0022%; no homozygotes.

Submission:

Labcorp Genetics (formerly Invitae), Labcorp
Classification: Uncertain significance for Familial temporal lobe epilepsy 7; Norman-Roberts syndrome. Last evaluated: 2024-04-11. Review status: criteria provided, single submitter. Criteria: Invitae Variant Classification Sherloc (09022015). Collection method: clinical testing. Allele origin: germline.
Comment: This sequence change replaces threonine, which is neutral and polar, with lysine, which is basic and polar, at codon 1904 of the RELN protein (p.Thr1904Lys). This variant is present in population databases (rs114190729, gnomAD 0.003%). This variant has not been reported in the literature in individuals affected with RELN-related conditions. ClinVar contains an entry for this variant (Variation ID: 850623). Advanced modeling of protein sequence and biophysical properties (such as structural, functional, and spatial information, amino acid conservation, physicochemical variation, residue mobility, and thermodynamic stability) performed at Invitae indicates that this missense variant is not expected to disrupt RELN protein function with a negative predictive value of 80%. In summary, the available evidence is currently insufficient to determine the role of this variant in disease. Therefore, it has been classified as a Variant of Uncertain Significance.

NM_005045.4(RELN):c.5711C>A (p.Thr1904Lys)

Gene: RELN (reelin; minus strand). Cytogenetic location: 7q22.1.
Variant type: single nucleotide variant.
Coding change: c.5711C>A on transcript NM_005045.4 (MANE Select); coding-DNA position 5711, C replaced by A.
Protein change: p.Thr1904Lys; replaces threonine 1904 with lysine.
Molecular consequence: missense variant.
Genome position (GRCh38, 1-based): chr7:103,557,063, G>T on the plus strand (C>A on the coding strand, the complement: RELN is on the minus strand). VCF-style: chr7-103557063-G-T. GRCh37 (hg19) VCF-style: chr7-103197510-G-T.
Other names: c.5711C>A, p.Thr1904Lys (NM_173054.3); short protein forms T1904K.
Identifiers: ClinVar variation 850623 (VCV000850623.9), dbSNP rs114190729, ClinGen allele CA4421129.